The following is an entry in ClinVar:

ClinVar aggregate classification (germline): Likely benign (1 of 4 stars; one submission).

Allele frequency attached by ClinVar (database versions not stated): 1000 Genomes Project 0.00240; 1000 Genomes Project 30x 0.00312; ESP Exome Variant Server 0.00337; ExAC 0.00628.
gnomAD v4.1: 8,023 of 1,547,346 alleles (0.52%); highest among the groups gnomAD compares: Middle Eastern, 1.1%; 39 homozygotes.

Submission:

CeGaT Center for Human Genetics Tuebingen
Classification: Likely benign. Last evaluated: 2023-02-01. Review status: criteria provided, single submitter. Criteria: CeGaT Center For Human Genetics Tuebingen Variant Classification Criteria Version 2. Collection method: clinical testing. Allele origin: germline. Affected: yes. Observed: 1 variant allele.
Comment: CNTNAP3: BP4, BP7, BS2

NM_033655.5(CNTNAP3):c.1977C>T (p.Tyr659=)

Gene: CNTNAP3 (contactin associated protein family member 3). Cytogenetic location: 9p12.
Variant type: single nucleotide variant.
Coding change: c.1977C>T on transcript NM_033655.5 (MANE Select); coding-DNA position 1977, C replaced by T.
Protein change: p.Tyr659=; no amino-acid change (tyrosine 659 retained).
Molecular consequence: synonymous variant.
Genome position (GRCh38, 1-based): chr9:39,133,035, G>A on the plus strand (C>T on the coding strand, the complement: CNTNAP3 is on the minus strand). VCF-style: chr9-39133035-G-A. GRCh37 (hg19) VCF-style: chr9-39133032-G-A.
Other names: c.1974C>T, p.Tyr658= (NM_001393379.1).
Identifiers: ClinVar variation 2659203 (VCV002659203.24), dbSNP rs190162126, ClinGen allele CA5065551.